The following is an entry in ClinVar:

NM_002578.5(PAK3):c.566C>T (p.Pro189Leu)

Gene: PAK3 (p21 (RAC1) activated kinase 3; plus strand). Cytogenetic location: Xq23.
Variant type: single nucleotide variant.
Coding change: c.566C>T on transcript NM_002578.5 (MANE Select); coding-DNA position 566, C replaced by T.
Protein change: p.Pro189Leu; replaces proline 189 with leucine.
Molecular consequence: missense variant. On other transcripts: non-coding transcript variant (2).
Genome position (GRCh38, 1-based): chrX:111,163,012, C>T. VCF-style: chrX-111163012-C-T. GRCh37 (hg19) VCF-style: chrX-110406240-C-T.
Other names: c.566C>T, p.Pro189Leu (NM_001128166.3, NM_001128167.3, NM_001324325.2 and 5 more transcripts); c.674C>T, p.Pro225Leu (NM_001128168.3); c.629C>T, p.Pro210Leu (NM_001128172.2); c.611C>T, p.Pro204Leu (NM_001128173.3, NM_001324327.2, NM_001324328.2 and 2 more transcripts); short protein forms P189L, P204L, P210L, P225L.
Identifiers: ClinVar variation 3391459 (VCV003391459.1).

ClinVar aggregate classification (germline): Uncertain significance (1 of 4 stars; one submission).

Submission:

GeneDx
Classification: Uncertain significance. Last evaluated: 2024-06-21. Review status: criteria provided, single submitter. Criteria: GeneDx Variant Classification Process June 2021. Collection method: clinical testing. Allele origin: germline. Affected: yes.
Comment: Not observed at significant frequency in large population cohorts (gnomAD); In silico analysis supports that this missense variant has a deleterious effect on protein structure/function; Has not been previously published as pathogenic or benign to our knowledge